The following is an entry in ClinVar:

NM_001379500.1(COL18A1):c.3679A>G (p.Ile1227Val)

Genes: COL18A1 (collagen type XVIII alpha 1 chain; plus strand), SLC19A1 (solute carrier family 19 member 1; minus strand). Cytogenetic location: 21q22.3.
Variant type: single nucleotide variant.
Coding change: c.3679A>G on transcript NM_001379500.1 (MANE Select); coding-DNA position 3679, A replaced by G.
Protein change: p.Ile1227Val; replaces isoleucine 1227 with valine.
Molecular consequence: missense variant.
Genome position (GRCh38, 1-based): chr21:45,510,247, A>G. VCF-style: chr21-45510247-A-G. GRCh37 (hg19) VCF-style: chr21-46930161-A-G.
Other names: c.4210A>G, p.Ile1404Val (NM_030582.4); c.4915A>G, p.Ile1639Val (NM_130444.3); short protein forms I1227V, I1404V, I1639V.
Identifiers: ClinVar variation 2116980 (VCV002116980.4), dbSNP rs2517857927, ClinGen allele CA410501797.
Genomic context (GRCh38, chr21:45,510,247, plus strand): 5'-TCCTCGCGCCTGCAGGACCTGTACAGCATCGTGCGCCGTGCCGACCGCGCAGCCGTGCCC[A>G]TCGTCAACCTCAAGGTGGGTCAGTCCAGTCCTGAGGGCGCGGGCTCCTCGGCCCCCACTT-3'
Protein context (NP_001366429.1, residues 1217-1237): VRRADRAAVP[Ile1227Val]VNLKDELLFP

ClinVar aggregate classification (germline): Uncertain significance (1 of 4 stars; one submission).

gnomAD v4.1: 6 of 1,605,404 alleles (0.00037%); highest among the groups gnomAD compares: Non-Finnish European, 0.00025%; no homozygotes.

Submission:

Labcorp Genetics (formerly Invitae), Labcorp
Classification: Uncertain significance. Last evaluated: 2022-08-16. Review status: criteria provided, single submitter. Criteria: Invitae Variant Classification Sherloc (09022015). Collection method: clinical testing. Allele origin: germline.
Comment: In summary, the available evidence is currently insufficient to determine the role of this variant in disease. Therefore, it has been classified as a Variant of Uncertain Significance. Experimental studies and prediction algorithms are not available or were not evaluated, and the functional significance of this variant is currently unknown. This variant has not been reported in the literature in individuals affected with COL18A1-related conditions. This variant is not present in population databases (gnomAD no frequency). This sequence change replaces isoleucine, which is neutral and non-polar, with valine, which is neutral and non-polar, at codon 1224 of the COL18A1 protein (p.Ile1224Val).